The following is an entry in ClinVar:

NM_018897.3(DNAH7):c.11720A>G (p.Tyr3907Cys)

Gene: DNAH7 (dynein axonemal heavy chain 7; minus strand). Cytogenetic location: 2q32.3.
Variant type: single nucleotide variant.
Coding change: c.11720A>G on transcript NM_018897.3 (MANE Select); coding-DNA position 11720, A replaced by G.
Protein change: p.Tyr3907Cys; replaces tyrosine 3907 with cysteine.
Molecular consequence: missense variant.
Genome position (GRCh38, 1-based): chr2:195,754,381, T>C on the plus strand (A>G on the coding strand, the complement: DNAH7 is on the minus strand). VCF-style: chr2-195754381-T-C. GRCh37 (hg19) VCF-style: chr2-196619105-T-C.
Other names: short protein forms Y3907C.
Identifiers: ClinVar variation 718311 (VCV000718311.47), dbSNP rs78583300, ClinGen allele CA2033671.

ClinVar aggregate classification (germline): Likely benign. Review status: criteria provided, multiple submitters, no conflicts (2 of 4 stars). 3 submissions from 3 submitters: Likely benign (2). 1 of the submissions does not count toward it. Last evaluated 2026-02-01.

Conditions:
DNAH7-related disorder. Also called: DNAH7-related condition.

Allele frequency attached by ClinVar (database versions not stated): 1000 Genomes Project 0.00160; 1000 Genomes Project 30x 0.00203; gnomAD exomes 0.00457; ExAC 0.00466; gnomAD 0.00485 and 0.00500; TOPMed 0.00506; ESP Exome Variant Server 0.00604.
gnomAD v4.1: 11,080 of 1,614,006 alleles (0.69%); highest among the groups gnomAD compares: Non-Finnish European, 0.85%; 57 homozygotes.

Submissions (3):

CeGaT Center for Human Genetics Tuebingen
Classification: Likely benign. Last evaluated: 2026-02-01. Review status: criteria provided, single submitter. Criteria: CeGaT Center For Human Genetics Tuebingen Variant Classification Criteria Version 2. Collection method: clinical testing. Allele origin: germline. Affected: yes. Observed: 12 variant alleles.
Comment: DNAH7: BS2

Labcorp Genetics (formerly Invitae), Labcorp
Classification: Likely benign. Last evaluated: 2019-12-31. Review status: criteria provided, single submitter. Criteria: Invitae Variant Classification Sherloc (09022015). Collection method: clinical testing. Allele origin: germline.

PreventionGenetics, part of Exact Sciences
Classification: Benign for DNAH7-related condition. Last evaluated: 2019-06-13. Review status: no assertion criteria provided. Collection method: clinical testing. Allele origin: germline. Not counted in ClinVar's aggregate classification.
Comment: This variant is classified as benign based on ACMG/AMP sequence variant interpretation guidelines (Richards et al. 2015 PMID: 25741868, with internal and published modifications).